The following is an entry in ClinVar:

ClinVar aggregate classification (germline): Uncertain significance (1 of 4 stars; one submission).

Conditions:
Shprintzen-Goldberg syndrome (SGS). Also called: Marfanoid disorder with craniosynostosis type 1; Marfanoid craniosynostosis syndrome; Shprintzen-Goldberg marfanoid syndrome; SHPRINTZEN-GOLDBERG CRANIOSYNOSTOSIS SYNDROME; CRANIOSYNOSTOSIS WITH ARACHNODACTYLY AND ABDOMINAL HERNIAS. Identifiers: Orphanet 2462, MedGen C1321551, MONDO:0008426, OMIM 182212.

gnomAD v4.1: 1 of 1,528,896 alleles (0.000065%); highest among the groups gnomAD compares: Non-Finnish European, 0.000088%; no homozygotes.

Submission:

Labcorp Genetics (formerly Invitae), Labcorp
Classification: Uncertain significance for Shprintzen-Goldberg syndrome. Last evaluated: 2024-02-16. Review status: criteria provided, single submitter. Criteria: Invitae Variant Classification Sherloc (09022015). Collection method: clinical testing. Allele origin: germline.
Comment: This sequence change replaces serine, which is neutral and polar, with arginine, which is basic and polar, at codon 720 of the SKI protein (p.Ser720Arg). This variant is not present in population databases (gnomAD no frequency). This variant has not been reported in the literature in individuals affected with SKI-related conditions. Advanced modeling of protein sequence and biophysical properties (such as structural, functional, and spatial information, amino acid conservation, physicochemical variation, residue mobility, and thermodynamic stability) performed at Invitae indicates that this missense variant is not expected to disrupt SKI protein function with a negative predictive value of 95%. In summary, the available evidence is currently insufficient to determine the role of this variant in disease. Therefore, it has been classified as a Variant of Uncertain Significance.

NM_003036.4(SKI):c.2160C>G (p.Ser720Arg)

Gene: SKI (SKI proto-oncogene; plus strand). Cytogenetic location: 1p36.32.
Variant type: single nucleotide variant.
Coding change: c.2160C>G on transcript NM_003036.4 (MANE Select); coding-DNA position 2160, C replaced by G.
Protein change: p.Ser720Arg; replaces serine 720 with arginine.
Molecular consequence: missense variant.
Genome position (GRCh38, 1-based): chr1:2,306,738, C>G. VCF-style: chr1-2306738-C-G. GRCh37 (hg19) VCF-style: chr1-2238177-C-G.
Other names: short protein forms S720R.
Identifiers: ClinVar variation 3633457 (VCV003633457.2).